The following is an entry in ClinVar:

ClinVar aggregate classification (germline): Uncertain significance. Review status: criteria provided, multiple submitters, no conflicts (2 of 4 stars). 2 submissions from 2 submitters: Uncertain significance (2). Last evaluated 2025-11-23.

Conditions:
Erythrocytosis, familial, 3 (ECYT3). Identifiers: Orphanet 247511, MedGen C1853286, MONDO:0012353, OMIM 609820.

Submissions (2):

Ambry Genetics
Classification: Uncertain significance. Last evaluated: 2025-11-23. Review status: criteria provided, single submitter. Criteria: Ambry Variant Classification Scheme 2023. Collection method: clinical testing. Allele origin: germline.
Comment: The p.R152S variant (also known as c.454C>A), located in coding exon 1 of the EGLN1 gene, results from a C to A substitution at nucleotide position 454. The arginine at codon 152 is replaced by serine, an amino acid with dissimilar properties. This amino acid position is conserved. In addition, this alteration is predicted to be tolerated by in silico analysis. Since supporting evidence is limited at this time, the clinical significance of this alteration remains unclear.

Labcorp Genetics (formerly Invitae), Labcorp
Classification: Uncertain significance for Erythrocytosis, familial, 3. Last evaluated: 2019-07-02. Review status: criteria provided, single submitter. Criteria: Invitae Variant Classification Sherloc (09022015). Collection method: clinical testing. Allele origin: germline.
Comment: Algorithms developed to predict the effect of missense changes on protein structure and function output the following: SIFT: "Tolerated"; PolyPhen-2: "Benign"; Align-GVGD: "Class C0". The serine amino acid residue is found in multiple mammalian species, suggesting that this missense change does not adversely affect protein function. These predictions have not been confirmed by published functional studies and their clinical significance is uncertain. In summary, the available evidence is currently insufficient to determine the role of this variant in disease. Therefore, it has been classified as a Variant of Uncertain Significance. This variant has not been reported in the literature in individuals with EGLN1-related conditions. The frequency data for this variant in the population databases is considered unreliable, as metrics indicate insufficient coverage at this position in the ExAC database. This sequence change replaces arginine with serine at codon 152 of the EGLN1 protein (p.Arg152Ser). The arginine residue is weakly conserved and there is a moderate physicochemical difference between arginine and serine.

NM_022051.3(EGLN1):c.454C>A (p.Arg152Ser)

Gene: EGLN1 (egl-9 family hypoxia inducible factor 1; minus strand). Cytogenetic location: 1q42.2.
Variant type: single nucleotide variant.
Coding change: c.454C>A on transcript NM_022051.3 (MANE Select); coding-DNA position 454, C replaced by A.
Protein change: p.Arg152Ser; replaces arginine 152 with serine.
Molecular consequence: missense variant.
Genome position (GRCh38, 1-based): chr1:231,421,435, G>T on the plus strand (C>A on the coding strand, the complement: EGLN1 is on the minus strand). VCF-style: chr1-231421435-G-T. GRCh37 (hg19) VCF-style: chr1-231557181-G-T.
Other names: c.454C>A, p.Arg152Ser (NM_001377260.1, NM_001377261.1); short protein forms R152S.
Identifiers: ClinVar variation 946746 (VCV000946746.8), dbSNP rs1200860908, ClinGen allele CA345236922.
Genomic context (GRCh38, chr1:231,421,435, plus strand): 5'-CATCCCCGGGCGTGTTGCTTGGGGGGTACAGGTTCGCCTTCTCCTGGAACAGCGATGAGC[G>T]GGCCGGCGGCTCCTCCTTGCCGGGCTCGGCTTCGGCAGCCACCGCCGAGCCCTGGCCGCC-3'
Protein context (NP_071334.1, residues 142-162): AEPGKEEPPA[Arg152Ser]SSLFQEKANL